The following is an entry in ClinVar:

ClinVar aggregate classification (germline): Uncertain significance (1 of 4 stars; one submission).

gnomAD v4.1: 2 of 1,208,481 alleles (0.00017%); highest among the groups gnomAD compares: African/African-American, 0.0035%; no homozygotes.

Submission:

Ambry Genetics
Classification: Uncertain significance. Last evaluated: 2025-10-18. Review status: criteria provided, single submitter. Criteria: Ambry Variant Classification Scheme 2023. Collection method: clinical testing. Allele origin: germline.
Comment: The c.586A>T (p.N196Y) alteration is located in exon 4 (coding exon 2) of the HDX gene. This alteration results from a A to T substitution at nucleotide position 586, causing the asparagine (N) at amino acid position 196 to be replaced by a tyrosine (Y). Based on data from gnomAD, the T allele has an overall frequency of 0.001% (2/181711) total alleles studied. The highest observed frequency was 0.015% (2/13118) of African alleles. Based on insufficient or conflicting evidence, the clinical significance of this alteration remains unclear.

NM_001177479.2(HDX):c.586A>T (p.Asn196Tyr)

Gene: HDX (highly divergent homeobox; minus strand). Cytogenetic location: Xq21.1.
Variant type: single nucleotide variant.
Coding change: c.586A>T on transcript NM_001177479.2 (MANE Select); coding-DNA position 586, A replaced by T.
Protein change: p.Asn196Tyr; replaces asparagine 196 with tyrosine.
Molecular consequence: missense variant.
Genome position (GRCh38, 1-based): chrX:84,469,137, T>A on the plus strand (A>T on the coding strand, the complement: HDX is on the minus strand). VCF-style: chrX-84469137-T-A. GRCh37 (hg19) VCF-style: chrX-83724145-T-A.
Other names: c.412A>T, p.Asn138Tyr (NM_001177478.2); c.586A>T, p.Asn196Tyr (NM_144657.5); short protein forms N196Y, N138Y.
Identifiers: ClinVar variation 4675257 (VCV004675257.1).